The following is an entry in ClinVar:

ClinVar aggregate classification (germline): Uncertain significance (1 of 4 stars; one submission).

Allele frequency attached by ClinVar (database versions not stated): gnomAD 0.00001; gnomAD exomes 0.00001; ExAC 0.00018.

Submission:

Labcorp Genetics (formerly Invitae), Labcorp
Classification: Uncertain significance. Last evaluated: 2023-08-04. Review status: criteria provided, single submitter. Criteria: Invitae Variant Classification Sherloc (09022015). Collection method: clinical testing. Allele origin: germline.
Comment: Advanced modeling of protein sequence and biophysical properties (such as structural, functional, and spatial information, amino acid conservation, physicochemical variation, residue mobility, and thermodynamic stability) performed at Invitae indicates that this missense variant is expected to disrupt NEFH protein function. This sequence change replaces alanine, which is neutral and non-polar, with threonine, which is neutral and polar, at codon 109 of the NEFH protein (p.Ala109Thr). The frequency data for this variant in the population databases is considered unreliable, as metrics indicate poor data quality at this position in the gnomAD database. This variant has not been reported in the literature in individuals affected with NEFH-related conditions. In summary, the available evidence is currently insufficient to determine the role of this variant in disease. Therefore, it has been classified as a Variant of Uncertain Significance.

NM_021076.4(NEFH):c.325G>A (p.Ala109Thr)

Gene: NEFH (neurofilament heavy chain; plus strand). Cytogenetic location: 22q12.2.
Variant type: single nucleotide variant.
Coding change: c.325G>A on transcript NM_021076.4 (MANE Select); coding-DNA position 325, G replaced by A.
Protein change: p.Ala109Thr; replaces alanine 109 with threonine.
Molecular consequence: missense variant.
Genome position (GRCh38, 1-based): chr22:29,480,587, G>A. VCF-style: chr22-29480587-G-A. GRCh37 (hg19) VCF-style: chr22-29876576-G-A.
Other names: short protein forms A109T.
Identifiers: ClinVar variation 2912189 (VCV002912189.3), dbSNP rs749069887, ClinGen allele CA10173990.